The following is an entry in ClinVar:

NM_000036.3(AMPD1):c.874C>T (p.Arg292Ter)

Gene: AMPD1 (adenosine monophosphate deaminase 1; minus strand). Cytogenetic location: 1p13.2.
Variant type: single nucleotide variant.
Coding change: c.874C>T on transcript NM_000036.3 (MANE Select); coding-DNA position 874, C replaced by T.
Protein change: p.Arg292Ter; replaces arginine 292 with a stop codon.
Molecular consequence: nonsense.
Genome position (GRCh38, 1-based): chr1:114,679,602, G>A on the plus strand (C>T on the coding strand, the complement: AMPD1 is on the minus strand). VCF-style: chr1-114679602-G-A. GRCh37 (hg19) VCF-style: chr1-115222223-G-A.
Other names: c.862C>T, p.Arg288Ter (NM_001172626.2); c.973C>T (NM_000036.2); short protein forms R292*, R288*.
Identifiers: ClinVar variation 2193184 (VCV002193184.5), dbSNP rs143235944, ClinGen allele CA1020288.

ClinVar aggregate classification (germline): Uncertain significance. Review status: criteria provided, multiple submitters, no conflicts (2 of 4 stars). 2 submissions from 2 submitters: Uncertain significance (2). Last evaluated 2025-08-16.

Conditions:
AMPD1-related disorder. Also called: AMPD1-related condition.
Muscle AMP deaminase deficiency (MMDD). Also called: Myoadenylate deaminase deficiency, myopathy due to; Adenosine monophosphate deaminase 1 deficiency; AMP deaminase 1 deficiency; Adenosine Monophosphate Deaminase 1; ADENOSINE MONOPHOSPHATE DEAMINASE-1 DEFICIENCY, MYOPATHY DUE TO; AMPD1 DEFICIENCY. Identifiers: Orphanet 45, MedGen C3714933, MONDO:0014220, OMIM 615511.

Allele frequency attached by ClinVar (database versions not stated): ExAC 0.00001; gnomAD 0.00001; TOPMed 0.00003; ESP Exome Variant Server 0.00008.
gnomAD v4.1: 23 of 1,613,862 alleles (0.0014%); highest among the groups gnomAD compares: Admixed American, 0.0067%; no homozygotes.

Submissions (2):

Labcorp Genetics (formerly Invitae), Labcorp
Classification: Uncertain significance for Muscle AMP deaminase deficiency. Last evaluated: 2025-08-16. Review status: criteria provided, single submitter. Criteria: Invitae Variant Classification Sherloc (09022015). Collection method: clinical testing. Allele origin: germline.
Comment: This sequence change creates a premature translational stop signal (p.Arg325*) in the AMPD1 gene. It is expected to result in an absent or disrupted protein product. However, the current clinical and genetic evidence is not sufficient to establish whether loss-of-function variants in AMPD1 cause disease. This variant is present in population databases (rs143235944, gnomAD 0.01%). This variant has not been reported in the literature in individuals affected with AMPD1-related conditions. ClinVar contains an entry for this variant (Variation ID: 2193184). In summary, the available evidence is currently insufficient to determine the role of this variant in disease. Therefore, it has been classified as a Variant of Uncertain Significance.

PreventionGenetics, part of Exact Sciences
Classification: Uncertain significance for AMPD1-related condition. Last evaluated: 2024-11-26. Review status: criteria provided, single submitter. Criteria: ACMG Guidelines, 2015. Collection method: clinical testing. Allele origin: germline.
Comment: The AMPD1 c.973C>T variant is predicted to result in premature protein termination (p.Arg325*). To our knowledge, this variant has not been reported in the literature. This variant is reported in 0.012% of alleles in individuals of African descent in gnomAD. At this time, the clinical significance of this variant is uncertain due to the absence of conclusive functional and genetic evidence.